The following is an entry in ClinVar:

NR_003051.4(RMRP):n.165G>A

Gene: RMRP (RNA component of mitochondrial RNA processing endoribonuclease; minus strand). Cytogenetic location: 9p13.3.
Variant type: single nucleotide variant.
Genome position: GRCh38 VCF-style: chr9-35657855-C-T. GRCh37 (hg19) VCF-style: chr9-35657852-C-T.
Identifiers: ClinVar variation 972281 (VCV000972281.7), dbSNP rs1405507797, ClinGen allele CA464450666.

ClinVar aggregate classification (germline): Uncertain significance. Review status: criteria provided, single submitter (1 of 4 stars). 2 submissions from 2 submitters: Uncertain significance (1). 1 of the submissions does not count toward it. Last evaluated 2021-09-01.

Conditions:
Anauxetic dysplasia. Identifiers: Orphanet 93347, MedGen C1846796, MONDO:0011773.
Metaphyseal chondrodysplasia, McKusick type (CHH). Also called: Cartilage-hair hypoplasia; Cartilage-Hair Hypoplasia (CHH). Identifiers: Orphanet 175, MedGen C0220748, MONDO:0009595, OMIM 250250.

gnomAD v4.1: 2 of 693,938 alleles (0.00029%); highest among the groups gnomAD compares: East Asian, 0.0027%; no homozygotes.

Submissions (2):

Labcorp Genetics (formerly Invitae), Labcorp
Classification: Uncertain significance for Anauxetic dysplasia. Last evaluated: 2021-09-01. Review status: criteria provided, single submitter. Criteria: Invitae Variant Classification Sherloc (09022015). Collection method: clinical testing. Allele origin: germline.
Comment: This variant occurs in the RMRP gene, which encodes an RNA molecule that does not result in a protein product. The frequency data for this variant in the population databases is considered unreliable, as metrics indicate insufficient coverage at this position in the ExAC database. This variant has not been reported in the literature in individuals affected with RMRP-related conditions. Experimental studies and prediction algorithms are not available or were not evaluated, and the functional significance of this variant is currently unknown. In summary, the available evidence is currently insufficient to determine the role of this variant in disease. Therefore, it has been classified as a Variant of Uncertain Significance.

Natera, Inc.
Classification: Uncertain significance for Cartilage-hair hypoplasia. Last evaluated: 2020-05-03. Review status: no assertion criteria provided. Collection method: clinical testing. Allele origin: germline. Not counted in ClinVar's aggregate classification.